The following is an entry in ClinVar:

ClinVar aggregate classification (germline): Uncertain significance. Review status: criteria provided, multiple submitters, no conflicts (2 of 4 stars). 2 submissions from 2 submitters: Uncertain significance (2). Last evaluated 2025-06-11.

Conditions:
Cardiovascular phenotype. Identifiers: MedGen CN230736.
ANKRD1-related dilated cardiomyopathy. Identifiers: MedGen CN119551.

Allele frequency attached by ClinVar (database versions not stated): gnomAD 0.00001.
gnomAD v4.1: 3 of 1,614,020 alleles (0.00019%); highest among the groups gnomAD compares: Non-Finnish European, 0.00025%; no homozygotes.

Submissions (2):

Labcorp Genetics (formerly Invitae), Labcorp
Classification: Uncertain significance for ANKRD1-related dilated cardiomyopathy. Last evaluated: 2025-06-11. Review status: criteria provided, single submitter. Criteria: Invitae Variant Classification Sherloc (09022015). Collection method: clinical testing. Allele origin: germline.
Comment: This sequence change replaces proline, which is neutral and non-polar, with histidine, which is basic and polar, at codon 25 of the ANKRD1 protein (p.Pro25His). This variant is not present in population databases (gnomAD no frequency). This variant has not been reported in the literature in individuals affected with ANKRD1-related conditions. ClinVar contains an entry for this variant (Variation ID: 2449562). An algorithm developed to predict the effect of missense changes on protein structure and function (PolyPhen-2) suggests that this variant is likely to be disruptive. In summary, the available evidence is currently insufficient to determine the role of this variant in disease. Therefore, it has been classified as a Variant of Uncertain Significance.

Ambry Genetics
Classification: Uncertain significance for Cardiovascular phenotype. Last evaluated: 2023-02-23. Review status: criteria provided, single submitter. Criteria: Ambry Variant Classification Scheme 2023. Collection method: clinical testing. Allele origin: germline.
Comment: The p.P25H variant (also known as c.74C>A), located in coding exon 2 of the ANKRD1 gene, results from a C to A substitution at nucleotide position 74. The proline at codon 25 is replaced by histidine, an amino acid with similar properties. This amino acid position is conserved. In addition, the in silico prediction for this alteration is inconclusive. Since supporting evidence is limited at this time, the clinical significance of this alteration remains unclear.

NM_014391.3(ANKRD1):c.74C>A (p.Pro25His)

Gene: ANKRD1 (ankyrin repeat domain 1; minus strand). Cytogenetic location: 10q23.31.
Variant type: single nucleotide variant.
Coding change: c.74C>A on transcript NM_014391.3 (MANE Select); coding-DNA position 74, C replaced by A.
Protein change: p.Pro25His; replaces proline 25 with histidine.
Molecular consequence: missense variant.
Genome position (GRCh38, 1-based): chr10:90,920,302, G>T on the plus strand (C>A on the coding strand, the complement: ANKRD1 is on the minus strand). VCF-style: chr10-90920302-G-T. GRCh37 (hg19) VCF-style: chr10-92680059-G-T.
Other names: short protein forms P25H.
Identifiers: ClinVar variation 2449562 (VCV002449562.3), dbSNP rs1191329876, ClinGen allele CA377554048.